The following is an entry in ClinVar:

NM_001127898.4(CLCN5):c.1025A>G (p.Tyr342Cys)

Gene: CLCN5 (Cl-/H+ antiporter 5; plus strand). Cytogenetic location: Xp11.23.
Variant type: single nucleotide variant.
Coding change: c.1025A>G on transcript NM_001127898.4 (MANE Select); coding-DNA position 1025, A replaced by G.
Protein change: p.Tyr342Cys; replaces tyrosine 342 with cysteine.
Molecular consequence: missense variant.
Genome position (GRCh38, 1-based): chrX:50,086,338, A>G. VCF-style: chrX-50086338-A-G. GRCh37 (hg19) VCF-style: chrX-49850995-A-G.
Other names: c.815A>G, p.Tyr272Cys (NM_000084.5); c.1025A>G, p.Tyr342Cys (NM_001127899.4); c.875A>G, p.Tyr292Cys (NM_001282163.2); short protein forms Y272C, Y342C, Y292C.
Identifiers: ClinVar variation 40985 (VCV000040985.10), dbSNP rs273585644, ClinGen allele CA343847.

ClinVar aggregate classification (germline): Pathogenic/Likely pathogenic. Review status: criteria provided, multiple submitters, no conflicts (2 of 4 stars). 3 submissions from 3 submitters: Pathogenic (1); Likely pathogenic (1). 1 of the submissions does not count toward it. Last evaluated 2024-10-17.

Conditions:
CLCN5-related disorder. Also called: CLCN5-related condition.
Dent disease type 1 (DENT1). Also called: NEPHROLITHIASIS 2; NEPHROLITHIASIS, HYPERCALCIURIC, X-LINKED. Identifiers: Orphanet 1652, Orphanet 93622, MedGen C1848336, MONDO:0010225, OMIM 300009.

Submissions (3):

Blueprint Genetics
Classification: Pathogenic for CLCN5-related disorders. Last evaluated: 2024-10-17. Review status: criteria provided, single submitter. Criteria: ACMG Guidelines, 2015. Collection method: clinical testing. Allele origin: germline. Affected: yes. Observed: 3 variant alleles.

Labcorp Genetics (formerly Invitae), Labcorp
Classification: Likely pathogenic. Last evaluated: 2023-10-06. Review status: criteria provided, single submitter. Criteria: Invitae Variant Classification Sherloc (09022015). Collection method: clinical testing. Allele origin: germline.
Comment: This sequence change replaces tyrosine, which is neutral and polar, with cysteine, which is neutral and slightly polar, at codon 272 of the CLCN5 protein (p.Tyr272Cys). This variant is not present in population databases (gnomAD no frequency). This missense change has been observed in individual(s) with Dent disease (PMID: 16822791, 24081861, 31328266, 31674016). This variant is also known as c.1025A>G (p.Y342C). ClinVar contains an entry for this variant (Variation ID: 40985). An algorithm developed to predict the effect of missense changes on protein structure and function (PolyPhen-2) suggests that this variant is likely to be disruptive. Experimental studies have shown that this missense change affects CLCN5 function (PMID: 21305656). This variant disrupts the p.Tyr272 amino acid residue in CLCN5. Other variant(s) that disrupt this residue have been observed in individuals with CLCN5-related conditions (PMID: 24081861), which suggests that this may be a clinically significant amino acid residue. In summary, the currently available evidence indicates that the variant is pathogenic, but additional data are needed to prove that conclusively. Therefore, this variant has been classified as Likely Pathogenic.

GeneReviews
No classification provided. Condition: Dent disease type 1. Review status: no classification provided. Collection method: literature only. Allele origin: germline. Not counted in ClinVar's aggregate classification.

Literature cited by the submitters: PubMed 16822791 (cited by Labcorp Genetics (formerly Invitae), Labcorp); PubMed 24081861 (cited by Labcorp Genetics (formerly Invitae), Labcorp); PubMed 31328266 (cited by Labcorp Genetics (formerly Invitae), Labcorp); PubMed 31674016 (cited by Labcorp Genetics (formerly Invitae), Labcorp); PubMed 21305656 (cited by Labcorp Genetics (formerly Invitae), Labcorp); NCBI Bookshelf NBK99494 (cited by GeneReviews).